The following is an entry in ClinVar:

NM_000815.5(GABRD):c.1178C>T (p.Ser393Leu)

Gene: GABRD (gamma-aminobutyric acid type A receptor subunit delta; plus strand). Cytogenetic location: 1p36.33.
Variant type: single nucleotide variant.
Coding change: c.1178C>T on transcript NM_000815.5 (MANE Select); coding-DNA position 1178, C replaced by T.
Protein change: p.Ser393Leu; replaces serine 393 with leucine.
Molecular consequence: missense variant.
Genome position (GRCh38, 1-based): chr1:2,030,101, C>T. VCF-style: chr1-2030101-C-T. GRCh37 (hg19) VCF-style: chr1-1961540-C-T.
Other names: short protein forms S393L.
Identifiers: ClinVar variation 3624252 (VCV003624252.2).

ClinVar aggregate classification (germline): Uncertain significance (1 of 4 stars; one submission).

Conditions:
Idiopathic generalized epilepsy. Also called: Generalised epilepsy; EIG. Identifiers: MedGen C0270850, MONDO:0005579, OMIM 600669.

gnomAD v4.1: 22 of 1,594,980 alleles (0.0014%); highest among the groups gnomAD compares: East Asian, 0.025%; no homozygotes.

Submission:

Labcorp Genetics (formerly Invitae), Labcorp
Classification: Uncertain significance for Idiopathic generalized epilepsy. Last evaluated: 2024-03-30. Review status: criteria provided, single submitter. Criteria: Invitae Variant Classification Sherloc (09022015). Collection method: clinical testing. Allele origin: germline.
Comment: This sequence change replaces serine, which is neutral and polar, with leucine, which is neutral and non-polar, at codon 393 of the GABRD protein (p.Ser393Leu). This variant is present in population databases (rs201841854, gnomAD 0.006%). This variant has not been reported in the literature in individuals affected with GABRD-related conditions. An algorithm developed to predict the effect of missense changes on protein structure and function (PolyPhen-2) suggests that this variant is likely to be tolerated. In summary, the available evidence is currently insufficient to determine the role of this variant in disease. Therefore, it has been classified as a Variant of Uncertain Significance.